The following is an entry in ClinVar:

ClinVar aggregate classification (germline): Conflicting classifications of pathogenicity. Review status: criteria provided, conflicting classifications (1 of 4 stars). 2 submissions from 2 submitters: Uncertain significance (1); Likely benign (1). Last evaluated 2024-06-14.

Conditions:
Cardiovascular phenotype. Identifiers: MedGen CN230736.
Long QT syndrome (LQTS). Identifiers: MedGen C0023976, MeSH D008133, MONDO:0002442. Disease mechanism: loss of function. Inheritance: Various modes of inheritance.

Allele frequency attached by ClinVar (database versions not stated): gnomAD exomes below 0.00001; TOPMed 0.00001.
gnomAD v4.1: 1 of 1,612,620 alleles (0.000062%); highest among the groups gnomAD compares: Middle Eastern, 0.017%; no homozygotes.

Submissions (2):

Labcorp Genetics (formerly Invitae), Labcorp
Classification: Likely benign for Long QT syndrome. Last evaluated: 2024-06-14. Review status: criteria provided, single submitter. Criteria: Invitae Variant Classification Sherloc (09022015). Collection method: clinical testing. Allele origin: germline.

Ambry Genetics
Classification: Uncertain significance for Cardiovascular phenotype. Last evaluated: 2022-01-27. Review status: criteria provided, single submitter. Criteria: Ambry Variant Classification Scheme 2023. Collection method: clinical testing. Allele origin: germline.
Comment: The c.6766-4C>T intronic variant results from a C to T substitution 4 nucleotides upstream from coding exon 30 in the AKAP9 gene. This nucleotide position is highly conserved in available vertebrate species. In silico splice site analysis predicts that this alteration will not have any significant effect on splicing. The evidence for this gene-disease relationship is limited; therefore, the clinical significance of this alteration is unclear.

NM_005751.5(AKAP9):c.6766-4C>T

Gene: AKAP9 (A-kinase anchoring protein 9; plus strand). Cytogenetic location: 7q21.2.
Variant type: single nucleotide variant.
Coding change: c.6766-4C>T on transcript NM_005751.5 (MANE Select); 4 bases into the intron before coding-DNA position 6766, C replaced by T.
Molecular consequence: intron variant.
Genome position (GRCh38, 1-based): chr7:92,077,692, C>T. VCF-style: chr7-92077692-C-T. GRCh37 (hg19) VCF-style: chr7-91707006-C-T.
Other names: c.6742-4C>T (NM_147185.3); c.1411-4C>T (NM_001379277.1).
Identifiers: ClinVar variation 1154595 (VCV001154595.11), dbSNP rs1584452484, ClinGen allele CA1725747698.
Genomic context (GRCh38, chr7:92,077,692, plus strand): 5'-TAATTATGTTCTGAAAATGATAGGTAATGATATATCCAACTGTGATAATTATTTTTGTTC[C>T]TAGGATGACATGGAGAAACTGGGACTTGCCATAAAGGAATCTGATGCCATGTCTACTCAA-3'